The following is an entry in ClinVar:

ClinVar aggregate classification (germline): Uncertain significance. Review status: criteria provided, multiple submitters, no conflicts (2 of 4 stars). 2 submissions from 2 submitters: Uncertain significance (2). Last evaluated 2023-04-06.

Conditions:
Charcot-Marie-Tooth disease type 2. Also called: Charcot-Marie-Tooth type 2. Identifiers: Orphanet 64746, MedGen C0270914, MONDO:0018993.

Allele frequency attached by ClinVar (database versions not stated): gnomAD exomes below 0.00001; ExAC 0.00001.

Submissions (2):

Ambry Genetics
Classification: Uncertain significance. Last evaluated: 2023-04-06. Review status: criteria provided, single submitter. Criteria: Ambry Variant Classification Scheme 2023. Collection method: clinical testing. Allele origin: germline.
Comment: The p.M1192V variant (also known as c.3574A>G), located in coding exon 32 of the KIF1B gene, results from an A to G substitution at nucleotide position 3574. The methionine at codon 1192 is replaced by valine, an amino acid with highly similar properties. This amino acid position is conserved. In addition, this alteration is predicted to be tolerated by in silico analysis. Since supporting evidence is limited at this time, the clinical significance of this alteration remains unclear.

Labcorp Genetics (formerly Invitae), Labcorp
Classification: Uncertain significance for Charcot-Marie-Tooth disease type 2. Last evaluated: 2022-10-08. Review status: criteria provided, single submitter. Criteria: Invitae Variant Classification Sherloc (09022015). Collection method: clinical testing. Allele origin: germline.
Comment: In summary, the available evidence is currently insufficient to determine the role of this variant in disease. Therefore, it has been classified as a Variant of Uncertain Significance. Algorithms developed to predict the effect of missense changes on protein structure and function (SIFT, PolyPhen-2, Align-GVGD) all suggest that this variant is likely to be tolerated. This variant has not been reported in the literature in individuals affected with KIF1B-related conditions. This variant is present in population databases (rs752996840, gnomAD 0.003%). This sequence change replaces methionine, which is neutral and non-polar, with valine, which is neutral and non-polar, at codon 1192 of the KIF1B protein (p.Met1192Val).

NM_001365951.3(KIF1B):c.3712A>G (p.Met1238Val)

Gene: KIF1B (kinesin family member 1B; plus strand). Cytogenetic location: 1p36.22.
Variant type: single nucleotide variant.
Coding change: c.3712A>G on transcript NM_001365951.3 (MANE Select); coding-DNA position 3712, A replaced by G.
Protein change: p.Met1238Val; replaces methionine 1238 with valine.
Molecular consequence: missense variant.
Genome position (GRCh38, 1-based): chr1:10,345,868, A>G. VCF-style: chr1-10345868-A-G. GRCh37 (hg19) VCF-style: chr1-10405926-A-G.
Other names: c.3712A>G, p.Met1238Val (NM_001365952.1); c.3574A>G, p.Met1192Val (NM_015074.3); short protein forms M1192V, M1238V.
Identifiers: ClinVar variation 1934111 (VCV001934111.7), dbSNP rs752996840, ClinGen allele CA581862.
Genomic context (GRCh38, chr1:10,345,868, plus strand): 5'-GGACCAGATTTTGACATACTCTAAAAACTTTTAAAAGTTCCAGCCACCAAGTTAAACACG[A>G]TGAGCAAAACCAGCCTTGGCCAGAGCATGAGCAAGTATGACCTCCTGGTTTGGTTTGAGA-3'
Protein context (NP_001352880.1, residues 1228-1248): KPVPATKLNT[Met1238Val]SKTSLGQSMS